The following is an entry in ClinVar:

NM_001005273.3(CHD3):c.3477C>A (p.Asn1159Lys)

Gene: CHD3 (chromodomain helicase DNA binding protein 3; plus strand). Cytogenetic location: 17p13.1.
Variant type: single nucleotide variant.
Coding change: c.3477C>A on transcript NM_001005273.3 (MANE Select); coding-DNA position 3477, C replaced by A.
Protein change: p.Asn1159Lys; replaces asparagine 1159 with lysine.
Molecular consequence: missense variant.
Genome position (GRCh38, 1-based): chr17:7,903,043, C>A. VCF-style: chr17-7903043-C-A. GRCh37 (hg19) VCF-style: chr17-7806361-C-A.
Other names: c.3654C>A, p.Asn1218Lys (NM_001005271.3); c.3477C>A, p.Asn1159Lys (NM_005852.4); short protein forms N1159K, N1218K.
Identifiers: ClinVar variation 549739 (VCV000549739.6), dbSNP rs754919272, ClinGen allele CA397941968.

ClinVar aggregate classification (germline): Pathogenic/Likely pathogenic. Review status: criteria provided, multiple submitters, no conflicts (2 of 4 stars). 5 submissions from 5 submitters: Pathogenic (2); Likely pathogenic (2). 1 of the submissions does not count toward it. Last evaluated 2020-10-23.

Conditions:
Intellectual disability. Also called: Intellectual functioning disability; intellectual disabilities; Intellectual developmental disorder. Identifiers: MedGen C3714756, MeSH D008607, MONDO:0001071, HP:0001249.
Snijders Blok-Campeau syndrome. Also called: INTELLECTUAL DEVELOPMENTAL DISORDER WITH MACROCEPHALY, SPEECH DELAY, AND DYSMORPHIC FACIES. Identifiers: Orphanet 599082, MedGen C4748701, MONDO:0032600, OMIM 618205.
Marfanoid habitus and intellectual disability. Identifiers: MedGen CN263130.

Submissions (5):

Institute of Medical Genetics and Applied Genomics, University Hospital Tübingen
Classification: Likely pathogenic. Last evaluated: 2020-10-23. Review status: criteria provided, single submitter. Criteria: ACMG Guidelines, 2015. Collection method: clinical testing. Allele origin: germline. Inheritance: Autosomal dominant inheritance. Affected: yes.

Genomic Medicine Lab, University of California San Francisco
Classification: Pathogenic for Snijders Blok-Campeau syndrome. Last evaluated: 2020-05-07. Review status: criteria provided, single submitter. Criteria: ACMG Guidelines, 2015. Collection method: clinical testing. Allele origin: de novo. Inheritance: Autosomal dominant inheritance. Affected: yes. Study: CSER-P3EGS.

SIB Swiss Institute of Bioinformatics
Classification: Pathogenic for Snijders Blok-Campeau syndrome. Last evaluated: 2019-02-19. Review status: criteria provided, single submitter. Criteria: ACMG Guidelines, 2015. Collection method: curation. Allele origin: unknown.
Comment: This variant is interpreted as a Pathogenic for Snijders Blok-Campeau syndrome, autosomal dominant. The following ACMG Tag(s) were applied: PM2 : Absent from controls (or at extremely low frequency if recessive) in Exome Sequencing Project, 1000 Genomes Project, or Exome Aggregation Consortium. PM6 : Assumed de novo, but without confirmation of paternity and maternity (PMID:30397230). PM1-supporting : PM1 downgraded in strength to Supporting. PP2 : Missense variant in a gene that has a low rate of benign missense variation and in which missense variants are a common mechanism of disease. PS3 :Well-established functional studies show a deleterious effect (PMID:30397230).

Equipe Genetique des Anomalies du Developpement, Université de Bourgogne
Classification: Likely pathogenic for Marfanoid habitus and intellectual disability. Review status: criteria provided, single submitter. Criteria: ACMG Guidelines, 2015. Collection method: research. Allele origin: de novo. Affected: yes.

CHU Sainte-Justine Research Center, University of Montreal
Classification: Likely pathogenic for Intellectual disability. Last evaluated: 2018-05-03. Review status: no assertion criteria provided. Collection method: research. Allele origin: germline. Affected: yes. Not counted in ClinVar's aggregate classification.

Literature cited by the submitters: PubMed 30397230 (cited by SIB Swiss Institute of Bioinformatics).